The following is an entry in ClinVar:

NM_003000.3(SDHB):c.650G>C (p.Arg217Pro)

Gene: SDHB (succinate dehydrogenase complex iron sulfur subunit B; minus strand). Cytogenetic location: 1p36.13.
Variant type: single nucleotide variant.
Coding change: c.650G>C on transcript NM_003000.3 (MANE Select); coding-DNA position 650, G replaced by C.
Protein change: p.Arg217Pro; replaces arginine 217 with proline.
Molecular consequence: missense variant.
Genome position (GRCh38, 1-based): chr1:17,022,723, C>G on the plus strand (G>C on the coding strand, the complement: SDHB is on the minus strand). VCF-style: chr1-17022723-C-G. GRCh37 (hg19) VCF-style: chr1-17349218-C-G.
Other names: c.596G>C, p.Arg199Pro (NM_001407361.1); short protein forms R199P, R217P.
Identifiers: ClinVar variation 3316886 (VCV003316886.1).
Genomic context (GRCh38, chr1:17,022,723, plus strand): 5'-GGGTCCTGCAGCTTGGCCAGGCGCTCCTCTGTGAAGTCATCTCTGGAGTCAATCATCCAG[C>G]GATAGGCCTGGAAAACCAGGGATGATTAGCTGAGCTGCCAATCAACAGGCCAGAGCGGCA-3'
Protein context (NP_002991.2, residues 207-227): LGPAVLMQAY[Arg217Pro]WMIDSRDDFT

ClinVar aggregate classification (germline): Likely pathogenic (1 of 4 stars; one submission).

Conditions:
Hereditary cancer-predisposing syndrome. Also called: Neoplastic Syndromes, Hereditary; Tumor predisposition; Hereditary neoplastic syndrome; Hereditary Cancer Syndrome. Identifiers: Orphanet 140162, MedGen C0027672, MeSH D009386, MONDO:0015356.

Submission:

Ambry Genetics
Classification: Likely pathogenic for Hereditary cancer-predisposing syndrome. Last evaluated: 2024-03-19. Review status: criteria provided, single submitter. Criteria: Ambry Variant Classification Scheme 2023. Collection method: clinical testing. Allele origin: germline.
Comment: The p.R217P variant (also known as c.650G>C), located in coding exon 7 of the SDHB gene, results from a G to C substitution at nucleotide position 650. The arginine at codon 217 is replaced by proline, an amino acid with dissimilar properties. This variant was reported in an individual with at least one SDHB-associated tumor, but clinical details were limited (Ben Aim L et al. J Med Genet, 2022 Aug;59:785-792). Two other variants at the same codon, p.R217C (c.649C>T) and p.R217S (c.649C>A), have been described in multiple individuals with a personal and/or family history that is consistent with SDHB-related paraganglioma-pheochromocytoma syndrome (Burnichon N et al. J Clin Endocrinol Metab. 2009;94(8):2817-27; Buffet A et al. Horm. Metab. Res. 2012 May;44:359-66; Kimura N et al. Endocr. Relat. Cancer 2014 Jun; 21(3):L13-6; Pat&oacute;cs A et al. Pathol. Oncol. Res. 2016 Oct;22(4):673-9; Niemeijer ND et al. Eur. J. Endocrinol., 2017 Aug;177:115-125; Andrews KA et al. J. Med. Genet., 2018 06;55:384-394; Rijken JA et al. BJS Open, 2018 Apr;2:62-69; Richter S et al. Genet. Med., 2019 03;21:705-717; Ambry internal data). Based on internal structural analysis, this variant sits at the interface between proteins and is anticipated to result in a significant decrease in structural stability (Inaoka DK et al. Int J Mol Sci, 2015 Jul;16:15287-308). This amino acid position is highly conserved in available vertebrate species. In addition, this alteration is predicted to be deleterious by in silico analysis. This variant is considered to be rare based on population cohorts in the Genome Aggregation Database (gnomAD). Based on the majority of available evidence to date, this variant is likely to be pathogenic.

Literature cited by the submitters: PubMed 26198225; PubMed 34452955.